The following is an entry in ClinVar:

ClinVar aggregate classification (germline): Uncertain significance (1 of 4 stars; one submission).

Submission:

Labcorp Genetics (formerly Invitae), Labcorp
Classification: Uncertain significance. Last evaluated: 2023-09-17. Review status: criteria provided, single submitter. Criteria: Invitae Variant Classification Sherloc (09022015). Collection method: clinical testing. Allele origin: germline.
Comment: This sequence change creates a premature translational stop signal (p.Thr1116Serfs*5) in the CACNA1D gene. It is expected to result in an absent or disrupted protein product. However, the current clinical and genetic evidence is not sufficient to establish whether loss-of-function variants in CACNA1D cause disease. This variant is not present in population databases (gnomAD no frequency). This variant has not been reported in the literature in individuals affected with CACNA1D-related conditions. In summary, the available evidence is currently insufficient to determine the role of this variant in disease. Therefore, it has been classified as a Variant of Uncertain Significance.

NM_001128840.3(CACNA1D):c.3287_3288del (p.Thr1096fs)

Gene: CACNA1D (calcium voltage-gated channel subunit alpha1 D; plus strand). Cytogenetic location: 3p21.1.
Variant type: Microsatellite.
Coding change: c.3287_3288del on transcript NM_001128840.3 (MANE Select); coding-DNA positions 3287 to 3288, 2 bases deleted (CA; older notation c.3287_3288delCA).
Protein change: p.Thr1096fs; shifts the reading frame from threonine 1096.
Molecular consequence: frameshift variant.
Genome position (GRCh38, 1-based): chr3:53,747,421-53,747,422, CA deleted; deleting any 2 consecutive bases within chr3:53,747,419-53,747,422 gives the same sequence; the c. name uses the placement nearest the transcript's 3' end. VCF-style (leftmost placement, unchanged base first): chr3-53747418-TCA-T. GRCh37 (hg19) VCF-style: chr3-53781445-TCA-T.
Other names: c.3347_3348del, p.Thr1116fs (NM_000720.4); c.3287_3288del, p.Thr1096fs (NM_001128839.3); short protein forms T1096fs, T1116fs.
Identifiers: ClinVar variation 2761391 (VCV002761391.3), dbSNP rs2473960256, ClinGen allele CA2666131929.